The following is an entry in ClinVar:

NM_001042492.3(NF1):c.1096_1102del (p.Arg366fs)

Gene: NF1 (neurofibromin 1; plus strand). Cytogenetic location: 17q11.2.
Variant type: Deletion.
Coding change: c.1096_1102del on transcript NM_001042492.3 (MANE Select); coding-DNA positions 1096 to 1102, 7 bases deleted (AGAGGCA; older notation c.1096_1102delAGAGGCA).
Protein change: p.Arg366fs; shifts the reading frame from arginine 366.
Molecular consequence: frameshift variant.
Genome position (GRCh38, 1-based): chr17:31,201,070-31,201,076, AGAGGCA deleted; deleting any 7 consecutive bases within chr17:31,201,068-31,201,076 gives the same sequence; the c. name uses the placement nearest the transcript's 3' end. VCF-style (leftmost placement, unchanged base first): chr17-31201067-TCAAGAGG-T. GRCh37 (hg19) VCF-style: chr17-29528085-TCAAGAGG-T.
Other names: c.1096_1102delAGAGGCA, p.Arg366Valfs (NM_000267.4); c.1096_1102del, p.Arg366fs (NM_001128147.3); short protein forms R366fs.
Identifiers: ClinVar variation 3659928 (VCV003659928.2).

ClinVar aggregate classification (germline): Pathogenic (1 of 4 stars; one submission).

Conditions:
Neurofibromatosis, type 1 (NF1). Also called: Peripheral type neurofibromatosis; VON RECKLINGHAUSEN DISEASE; NEUROFIBROMATOSIS, TYPE I, SOMATIC; Neurofibromatosis, type I. Identifiers: Orphanet 636, MedGen C0027831, MONDO:0018975, OMIM 162200. Disease mechanism: loss of function.

Submission:

Labcorp Genetics (formerly Invitae), Labcorp
Classification: Pathogenic for Neurofibromatosis, type 1. Last evaluated: 2024-07-19. Review status: criteria provided, single submitter. Criteria: Invitae Variant Classification Sherloc (09022015). Collection method: clinical testing. Allele origin: germline.
Comment: This sequence change creates a premature translational stop signal (p.Arg366Valfs*8) in the NF1 gene. It is expected to result in an absent or disrupted protein product. Loss-of-function variants in NF1 are known to be pathogenic (PMID: 10712197, 23913538). This variant is not present in population databases (gnomAD no frequency). This variant has not been reported in the literature in individuals affected with NF1-related conditions. Algorithms developed to predict the effect of sequence changes on RNA splicing suggest that this variant may disrupt the consensus splice site. For these reasons, this variant has been classified as Pathogenic.

Literature cited by the submitters: PubMed 10712197; PubMed 23913538.